The following is an entry in ClinVar:

NM_020732.3:c.6293T>C

Gene: ARID1B (AT-rich interaction domain 1B; plus strand).
Variant type: single nucleotide variant.
Other names: c.6293T>C (NM_020732.3).
Identifiers: ClinVar variation 4536468 (VCV004536468.1).

ClinVar aggregate classification (germline): Uncertain significance (1 of 4 stars; one submission).

Submission:

GeneDx
Classification: Uncertain significance. Last evaluated: 2025-06-02. Review status: criteria provided, single submitter. Criteria: GeneDx Variant Classification Process June 2021. Collection method: clinical testing. Allele origin: germline. Affected: yes.
Comment: Not observed at significant frequency in large population cohorts (gnomAD); In silico analysis supports that this missense variant has a deleterious effect on protein structure/function; Has not been previously published as pathogenic or benign to our knowledge